The following is an entry in ClinVar:

NM_006949.4(STXBP2):c.379G>A (p.Val127Met)

Gene: STXBP2 (syntaxin binding protein 2; plus strand). Cytogenetic location: 19p13.2.
Variant type: single nucleotide variant.
Coding change: c.379G>A on transcript NM_006949.4 (MANE Select); coding-DNA position 379, G replaced by A.
Protein change: p.Val127Met; replaces valine 127 with methionine.
Molecular consequence: missense variant. On other transcripts: non-coding transcript variant (1).
Genome position (GRCh38, 1-based): chr19:7,640,953, G>A. VCF-style: chr19-7640953-G-A. GRCh37 (hg19) VCF-style: chr19-7705839-G-A.
Other names: c.412G>A, p.Val138Met (NM_001272034.2); c.370G>A, p.Val124Met (NM_001127396.3); c.379G>A (NM_006949.2); short protein forms V124M, V127M, V138M.
Identifiers: ClinVar variation 1400484 (VCV001400484.4), dbSNP rs764141843, ClinGen allele CA9143610.
Genomic context (GRCh38, chr19:7,640,953, plus strand): 5'-ACCCCAGCCTGCCCCGAGCCCCTGTTCAGTGAGCTAGGCCGCTCTCGTCTGGCAAAGGTG[G>A]TGAAGACGTTGAAGGAGATTCACCTTGCCTTCCTCCCCTACGAGGCCCAGGTACGGCCCG-3'
Protein context (NP_008880.2, residues 117-137): ELGRSRLAKV[Val127Met]KTLKEIHLAF

ClinVar aggregate classification (germline): Uncertain significance. Review status: criteria provided, multiple submitters, no conflicts (2 of 4 stars). 2 submissions from 2 submitters: Uncertain significance (2). Last evaluated 2025-08-26.

Conditions:
Inborn genetic diseases. Identifiers: MedGen C0950123, MeSH D030342.
Familial hemophagocytic lymphohistiocytosis 5. Also called: STXBP2-Related Familial Hemophagocytic Lymphohistiocytosis (STXBP2-fHLH). Identifiers: Orphanet 540, MedGen C2751293, MONDO:0013135, OMIM 613101.

Allele frequency attached by ClinVar (database versions not stated): ExAC 0.00001; gnomAD exomes 0.00001; TOPMed 0.00002.
gnomAD v4.1: 12 of 1,614,210 alleles (0.00074%); highest among the groups gnomAD compares: East Asian, 0.0045%; no homozygotes.

Submissions (2):

Ambry Genetics
Classification: Uncertain significance for Inborn genetic diseases. Last evaluated: 2025-08-26. Review status: criteria provided, single submitter. Criteria: Ambry Variant Classification Scheme 2023. Collection method: clinical testing. Allele origin: germline.

Labcorp Genetics (formerly Invitae), Labcorp
Classification: Uncertain significance for Familial hemophagocytic lymphohistiocytosis 5. Last evaluated: 2022-08-15. Review status: criteria provided, single submitter. Criteria: Invitae Variant Classification Sherloc (09022015). Collection method: clinical testing. Allele origin: germline.
Comment: This sequence change replaces valine, which is neutral and non-polar, with methionine, which is neutral and non-polar, at codon 127 of the STXBP2 protein (p.Val127Met). This variant is present in population databases (rs764141843, gnomAD 0.002%). This variant has not been reported in the literature in individuals affected with STXBP2-related conditions. ClinVar contains an entry for this variant (Variation ID: 1400484). Algorithms developed to predict the effect of missense changes on protein structure and function are either unavailable or do not agree on the potential impact of this missense change (SIFT: "Deleterious"; PolyPhen-2: "Possibly Damaging"; Align-GVGD: "Class C0"). Algorithms developed to predict the effect of sequence changes on RNA splicing suggest that this variant may create or strengthen a splice site. In summary, the available evidence is currently insufficient to determine the role of this variant in disease. Therefore, it has been classified as a Variant of Uncertain Significance.